The following is an entry in ClinVar:

ClinVar aggregate classification (germline): Uncertain significance (1 of 4 stars; one submission).

Submission:

Greenwood Genetic Center Diagnostic Laboratories, Greenwood Genetic Center
Classification: Uncertain significance. Last evaluated: 2021-12-30. Review status: criteria provided, single submitter. Criteria: ACMG Guidelines, 2015. Collection method: clinical testing. Allele origin: germline. Affected: yes.
Comment: BP4, PM2

NM_025257.3(SLC44A4):c.37T>C (p.Tyr13His)

Genes: EHMT2-AS1 (EHMT2 and SLC44A4 antisense RNA 1; plus strand), SLC44A4 (solute carrier family 44 member 4; minus strand). Cytogenetic location: 6p21.33.
Variant type: single nucleotide variant.
Coding change: c.37T>C on transcript NM_025257.3 (MANE Select); coding-DNA position 37, T replaced by C.
Protein change: p.Tyr13His; replaces tyrosine 13 with histidine.
Molecular consequence: missense variant.
Genome position (GRCh38, 1-based): chr6:31,878,944, A>G on the plus strand (T>C on the coding strand, the complement: SLC44A4 is on the minus strand). VCF-style: chr6-31878944-A-G. GRCh37 (hg19) VCF-style: chr6-31846721-A-G.
Other names: c.37T>C, p.Tyr13His (NM_001178044.2); short protein forms Y13H.
Identifiers: ClinVar variation 1334725 (VCV001334725.4), dbSNP rs2151577431, ClinGen allele CA363387046.